The following is an entry in ClinVar:

NM_001378454.1(ALMS1):c.10460C>T (p.Pro3487Leu)

Gene: ALMS1 (ALMS1 centrosome and basal body associated protein; plus strand). Cytogenetic location: 2p13.1.
Variant type: single nucleotide variant.
Coding change: c.10460C>T on transcript NM_001378454.1 (MANE Select); coding-DNA position 10460, C replaced by T.
Protein change: p.Pro3487Leu; replaces proline 3487 with leucine.
Molecular consequence: missense variant.
Genome position (GRCh38, 1-based): chr2:73,572,337, C>T. VCF-style: chr2-73572337-C-T. GRCh37 (hg19) VCF-style: chr2-73799464-C-T.
Other names: c.10463C>T, p.Pro3488Leu (NM_015120.4); short protein forms P3487L, P3488L.
Identifiers: ClinVar variation 842342 (VCV000842342.8), dbSNP rs1674947337, ClinGen allele CA347283004.
Genomic context (GRCh38, chr2:73,572,337, plus strand): 5'-CAGAATTTGAAAATACTACCCGTTCTGTCTTCAGGTCAGCAAAGTTTTACATTCATCATC[C>T]CGTACACCTACCAAGTGATCAAGATATTTGCCATGAATCTTTGGGAAAGAGTGTTTTCAT-3'
Protein context (NP_001365383.1, residues 3477-3497): FRSAKFYIHH[Pro3487Leu]VHLPSDQDIC

ClinVar aggregate classification (germline): Uncertain significance (1 of 4 stars; one submission).

Conditions:
Alstrom syndrome (ALMS). Identifiers: Orphanet 64, MedGen C0268425, MONDO:0008763, OMIM 203800.

Submission:

Labcorp Genetics (formerly Invitae), Labcorp
Classification: Uncertain significance for Alstrom syndrome. Last evaluated: 2022-07-05. Review status: criteria provided, single submitter. Criteria: Invitae Variant Classification Sherloc (09022015). Collection method: clinical testing. Allele origin: germline.
Comment: This sequence change replaces proline, which is neutral and non-polar, with leucine, which is neutral and non-polar, at codon 3488 of the ALMS1 protein (p.Pro3488Leu). This variant is not present in population databases (gnomAD no frequency). This variant has not been reported in the literature in individuals affected with ALMS1-related conditions. ClinVar contains an entry for this variant (Variation ID: 842342). Experimental studies and prediction algorithms are not available or were not evaluated, and the functional significance of this variant is currently unknown. In summary, the available evidence is currently insufficient to determine the role of this variant in disease. Therefore, it has been classified as a Variant of Uncertain Significance.